The following is an entry in ClinVar:

ClinVar aggregate classification (germline): Uncertain significance (1 of 4 stars; one submission).

Conditions:
Cardiovascular phenotype. Identifiers: MedGen CN230736.

gnomAD v4.1: 4 of 1,606,116 alleles (0.00025%); highest among the groups gnomAD compares: Admixed American, 0.0017%; no homozygotes.

Submission:

Ambry Genetics
Classification: Uncertain significance for Cardiovascular phenotype. Last evaluated: 2025-10-25. Review status: criteria provided, single submitter. Criteria: Ambry Variant Classification Scheme 2023. Collection method: clinical testing. Allele origin: germline.
Comment: The p.R215G variant (also known as c.643C>G), located in coding exon 5 of the MYBPC3 gene, results from a C to G substitution at nucleotide position 643. The arginine at codon 215 is replaced by glycine, an amino acid with dissimilar properties. This amino acid position is highly conserved in available vertebrate species. In addition, the in silico prediction for this alteration is inconclusive. Since supporting evidence is limited at this time, the clinical significance of this alteration remains unclear.

NM_000256.3(MYBPC3):c.643C>G (p.Arg215Gly)

Gene: MYBPC3 (myosin binding protein C3; minus strand). Cytogenetic location: 11p11.2.
Variant type: single nucleotide variant.
Coding change: c.643C>G on transcript NM_000256.3 (MANE Select); coding-DNA position 643, C replaced by G.
Protein change: p.Arg215Gly; replaces arginine 215 with glycine.
Molecular consequence: missense variant.
Genome position (GRCh38, 1-based): chr11:47,349,785, G>C on the plus strand (C>G on the coding strand, the complement: MYBPC3 is on the minus strand). VCF-style: chr11-47349785-G-C. GRCh37 (hg19) VCF-style: chr11-47371336-G-C.
Other names: short protein forms R215G.
Identifiers: ClinVar variation 3230891 (VCV003230891.2), dbSNP rs397516063, ClinGen allele CA380337182.